The following is an entry in ClinVar:

NM_000211.5(ITGB2):c.500-11G>T

Gene: ITGB2 (integrin subunit beta 2; minus strand). Cytogenetic location: 21q22.3.
Variant type: single nucleotide variant.
Coding change: c.500-11G>T on transcript NM_000211.5 (MANE Select); 11 bases into the intron before coding-DNA position 500, G replaced by T.
Molecular consequence: intron variant.
Genome position (GRCh38, 1-based): chr21:44,901,744, C>A on the plus strand (G>T on the coding strand, the complement: ITGB2 is on the minus strand). VCF-style: chr21-44901744-C-A. GRCh37 (hg19) VCF-style: chr21-46321659-C-A.
Other names: IVS5-11G>T; p.?; c.500-11G>T (LRG_76t1, NM_001127491.3); c.293-11G>T (NM_001303238.2).
Identifiers: ClinVar variation 100756 (VCV000100756.23), dbSNP rs55865320, ClinGen allele CA249772.

ClinVar aggregate classification (germline): Benign/Likely benign. Review status: criteria provided, multiple submitters, no conflicts (2 of 4 stars). 9 submissions from 9 submitters: Benign (7); Likely benign (1). 1 of the submissions does not count toward it. Last evaluated 2026-02-04.

Conditions:
Leukocyte adhesion deficiency 1 (LAD1). Also called: LEUKOCYTE ADHESION DEFICIENCY, TYPE I; LAD 1; Lymphocyte function-associated antigen 1 immunodeficiency; LFA 1 immunodeficiency. Identifiers: Orphanet 2968, Orphanet 99842, MedGen C0398738, MONDO:0007293, OMIM 116920.

Allele frequency attached by ClinVar (database versions not stated): 1000 Genomes Project 0.13918; 1000 Genomes Project 30x 0.13991; gnomAD 0.16675 and 0.16920; TOPMed 0.16826; ESP Exome Variant Server 0.18099.
gnomAD v4.1: 279,161 of 1,603,694 alleles (17%); highest among the groups gnomAD compares: Middle Eastern, 29%; 25,438 homozygotes.

Submissions (9):

Labcorp Genetics (formerly Invitae), Labcorp
Classification: Benign for Leukocyte adhesion deficiency 1. Last evaluated: 2026-02-04. Review status: criteria provided, single submitter. Criteria: Invitae Variant Classification Sherloc (09022015). Collection method: clinical testing. Allele origin: germline.

Women's Health and Genetics/Laboratory Corporation of America, LabCorp
Classification: Benign. Last evaluated: 2026-01-21. Review status: criteria provided, single submitter. Criteria: LabCorp Variant Classification Summary - May 2015. Collection method: clinical testing. Allele origin: germline.

Blueprint Genetics
Classification: Likely benign. Last evaluated: 2024-11-28. Review status: criteria provided, single submitter. Criteria: ACMG Guidelines, 2015. Collection method: clinical testing. Allele origin: germline.

Unidad de Genómica Garrahan, Hospital de Pediatría Garrahan
Classification: Benign. Last evaluated: 2024-01-24. Review status: criteria provided, single submitter. Criteria: ACMG Guidelines, 2015. Collection method: clinical testing. Allele origin: germline. Affected: no. Observed: 26 variant alleles.
Comment: This variant is classified as Benign based on local population frequency. This variant was detected in 27% of patients studied by a panel of primary immunodeficiencies. Number of patients: 26. Only high quality variants are reported.

Mayo Clinic Laboratories, Mayo Clinic
Classification: Benign. Last evaluated: 2018-07-03. Review status: criteria provided, single submitter. Criteria: ACMG Guidelines, 2015. Collection method: clinical testing. Allele origin: germline. Observed: 263 variant alleles.

Illumina Laboratory Services, Illumina
Classification: Benign for Leukocyte adhesion deficiency 1. Last evaluated: 2018-01-12. Review status: criteria provided, single submitter. Criteria: ICSL Variant Classification Criteria 13 December 2019. Collection method: clinical testing. Allele origin: germline.
Comment: This variant was observed in the ICSL laboratory as part of a predisposition screen in an ostensibly healthy population. It had not been previously curated by ICSL or reported in the Human Gene Mutation Database (HGMD: prior to June 1st, 2018), and was therefore a candidate for classification through an automated scoring system. Utilizing variant allele frequency, disease prevalence and penetrance estimates, and inheritance mode, an automated score was calculated to assess if this variant is too frequent to cause the disease. Based on the score and internal cut-off values, a variant classified as benign is not then subjected to further curation. The score for this variant resulted in a classification of benign for this disease.

GeneDx
Classification: Benign. Last evaluated: 2015-03-03. Review status: criteria provided, single submitter. Criteria: GeneDx Variant Classification Process June 2021. Collection method: clinical testing. Allele origin: germline. Affected: yes.

Breakthrough Genomics
Classification: Benign. Review status: criteria provided, single submitter. Criteria: ACMG Guidelines, 2015. Collection method: not provided. Allele origin: germline. Inheritance: Autosomal recessive inheritance. Affected: yes.

Genomic Research Center, Shahid Beheshti University of Medical Sciences
No classification provided. Condition: Leukocyte adhesion deficiency type 1. Review status: no classification provided. Collection method: not provided. Allele origin: inherited. Study: Mutation spectra of the ITGB2 gene in Iranian families with leukocyte adhesion deficiency type 1. Not counted in ClinVar's aggregate classification.
ClinVar note: Converted during submission from untested to not provided.